The following is an entry in ClinVar:

ClinVar aggregate classification (germline): Uncertain significance (1 of 4 stars; one submission).

gnomAD v4.1: 1 of 1,614,220 alleles (0.000062%); highest among the groups gnomAD compares: Non-Finnish European, 0.000085%; no homozygotes.

Submission:

GeneDx
Classification: Uncertain significance. Last evaluated: 2022-09-13. Review status: criteria provided, single submitter. Criteria: GeneDx Variant Classification Process June 2021. Collection method: clinical testing. Allele origin: germline. Affected: yes.
Comment: Not observed at significant frequency in large population cohorts (gnomAD); In silico analysis supports that this missense variant does not alter protein structure/function; Has not been previously published as pathogenic or benign to our knowledge

NM_182925.5(FLT4):c.3824G>C (p.Ser1275Thr)

Gene: FLT4 (fms related receptor tyrosine kinase 4; minus strand). Cytogenetic location: 5q35.3.
Variant type: single nucleotide variant.
Coding change: c.3824G>C on transcript NM_182925.5 (MANE Select); coding-DNA position 3824, G replaced by C.
Protein change: p.Ser1275Thr; replaces serine 1275 with threonine.
Molecular consequence: missense variant.
Genome position (GRCh38, 1-based): chr5:180,609,037, C>G on the plus strand (G>C on the coding strand, the complement: FLT4 is on the minus strand). VCF-style: chr5-180609037-C-G. GRCh37 (hg19) VCF-style: chr5-180036037-C-G.
Other names: c.3824G>C, p.Ser1275Thr (NM_001354989.2, NM_002020.5); short protein forms S1275T.
Identifiers: ClinVar variation 2443468 (VCV002443468.1), dbSNP rs2480811749, ClinGen allele CA362497816.